The following is an entry in ClinVar:

NM_175875.5(SIX5):c.1651G>A (p.Val551Met)

Gene: SIX5 (SIX homeobox 5; minus strand). Cytogenetic location: 19q13.32.
Variant type: single nucleotide variant.
Coding change: c.1651G>A on transcript NM_175875.5 (MANE Select); coding-DNA position 1651, G replaced by A.
Protein change: p.Val551Met; replaces valine 551 with methionine.
Molecular consequence: missense variant.
Genome position (GRCh38, 1-based): chr19:45,766,070, C>T on the plus strand (G>A on the coding strand, the complement: SIX5 is on the minus strand). VCF-style: chr19-45766070-C-T. GRCh37 (hg19) VCF-style: chr19-46269328-C-T.
Other names: short protein forms V551M.
Identifiers: ClinVar variation 1270820 (VCV001270820.8), dbSNP rs755502593, ClinGen allele CA9520553.

ClinVar aggregate classification (germline): Conflicting classifications of pathogenicity. Review status: criteria provided, conflicting classifications (1 of 4 stars). 4 submissions from 4 submitters: Uncertain significance (2); Benign (1); Likely benign (1). Last evaluated 2024-12-24.

Conditions:
Branchiootorenal syndrome 2 (BOR2). Identifiers: Orphanet 107, MedGen C1970479, MONDO:0012575, OMIM 610896.

Allele frequency attached by ClinVar (database versions not stated): gnomAD 0.00002; TOPMed 0.00005.
gnomAD v4.1: 55 of 1,611,978 alleles (0.0034%); highest among the groups gnomAD compares: East Asian, 0.062%; 1 homozygote.

Submissions (4):

Labcorp Genetics (formerly Invitae), Labcorp
Classification: Uncertain significance. Last evaluated: 2024-12-24. Review status: criteria provided, single submitter. Criteria: Invitae Variant Classification Sherloc (09022015). Collection method: clinical testing. Allele origin: germline.
Comment: This sequence change replaces valine, which is neutral and non-polar, with methionine, which is neutral and non-polar, at codon 551 of the SIX5 protein (p.Val551Met). This variant is present in population databases (rs755502593, gnomAD 0.09%), and has an allele count higher than expected for a pathogenic variant. This variant has not been reported in the literature in individuals affected with SIX5-related conditions. ClinVar contains an entry for this variant (Variation ID: 1270820). Invitae Evidence Modeling of protein sequence and biophysical properties (such as structural, functional, and spatial information, amino acid conservation, physicochemical variation, residue mobility, and thermodynamic stability) indicates that this missense variant is not expected to disrupt SIX5 protein function with a negative predictive value of 80%. In summary, the available evidence is currently insufficient to determine the role of this variant in disease. Therefore, it has been classified as a Variant of Uncertain Significance.

Daryl Scott Lab, Baylor College of Medicine
Classification: Uncertain significance for Branchiootorenal syndrome 2. Last evaluated: 2024-04-01. Review status: criteria provided, single submitter. Criteria: ACMG Guidelines, 2015. Collection method: clinical testing. Allele origin: paternal. Observed: 1 heterozygote.
Comment: BS2

Blueprint Genetics
Classification: Likely benign. Last evaluated: 2022-03-11. Review status: criteria provided, single submitter. Criteria: ACMG Guidelines, 2015. Collection method: clinical testing. Allele origin: germline.

GeneDx
Classification: Benign. Last evaluated: 2019-01-23. Review status: criteria provided, single submitter. Criteria: GeneDx Variant Classification Process June 2021. Collection method: clinical testing. Allele origin: germline. Affected: yes.